The following continues an entry in ClinVar:

NM_001042492.3(NF1):c.7595C>T (p.Ala2532Val)

Gene: NF1. ClinVar aggregate classification (germline): Benign/Likely benign. Benign (13); Likely benign (9).

Submissions 20 to 25 of 25:

Illumina Laboratory Services, Illumina
Classification: Likely benign for Neurofibromatosis, familial spinal. Last evaluated: 2017-04-28. Review status: criteria provided, single submitter. Criteria: ICSL Variant Classification Criteria 13 December 2019. Collection method: clinical testing. Allele origin: germline.
Comment: This variant was observed as part of a predisposition screen in an ostensibly healthy population. A literature search was performed for the gene, cDNA change, and amino acid change (where applicable). No publications were found based on this search. Allele frequency data from public databases allowed determination this variant is unlikely to cause disease. Therefore, this variant is classified as likely benign.

Ambry Genetics
Classification: Likely benign for Hereditary cancer-predisposing syndrome. Last evaluated: 2015-12-03. Review status: criteria provided, single submitter. Criteria: Ambry Autosomal Dominant and X-Linked criteria (10/2015). Collection method: clinical testing. Allele origin: germline. Observed: 1 variant allele.
Comment: Co-occurence with a mutation in another gene that clearly explains a proband's phenotype;Other data supporting benign classification

PreventionGenetics, part of Exact Sciences
Classification: Benign. Last evaluated: 2015-09-18. Review status: criteria provided, single submitter. Criteria: ACMG Guidelines, 2015. Collection method: clinical testing. Allele origin: germline.

Biesecker Lab/Clinical Genomics Section, National Institutes of Health
Classification: Uncertain significance. Last evaluated: 2012-07-13. Review status: no assertion criteria provided. Collection method: research. Allele origin: germline. Affected: no. Observed: 2 variant alleles. Study: ClinSeq. Not counted in ClinVar's aggregate classification.
ClinVar note: Converted during submission from variant of unknown significance to Uncertain significance.

Dr. Peter K. Rogan Lab, Western University
No classification provided (evidence only). Condition: Clear cell carcinoma of kidney. Review status: no classification provided. Collection method: in vitro. Allele origin: not applicable. Functional consequence: retained intron. Not counted in ClinVar's aggregate classification.

Dr. Peter K. Rogan Lab, Western University
No classification provided (evidence only). Condition: Clear cell carcinoma of kidney. Review status: no classification provided. Collection method: in vitro. Allele origin: not applicable. Functional consequence: retained intron. Not counted in ClinVar's aggregate classification.

Literature cited by the submitters: PubMed 35885913 (cited by Department of Pathology and Laboratory Medicine, Sinai Health System and Women's Health and Genetics/Laboratory Corporation of America, LabCorp); PubMed 33471991 (cited by Department of Pathology and Laboratory Medicine, Sinai Health System); PubMed 33322618 (cited by Department of Pathology and Laboratory Medicine, Sinai Health System); PubMed 30308447 (cited by Department of Pathology and Laboratory Medicine, Sinai Health System and Women's Health and Genetics/Laboratory Corporation of America, LabCorp); PubMed 22962301 (cited by 3 submitters); PubMed 10678181 (cited by Women's Health and Genetics/Laboratory Corporation of America, LabCorp); PubMed 23460398 (cited by Women's Health and Genetics/Laboratory Corporation of America, LabCorp); PubMed 27069254 (cited by Women's Health and Genetics/Laboratory Corporation of America, LabCorp); PubMed 30877234 (cited by Women's Health and Genetics/Laboratory Corporation of America, LabCorp); PubMed 26000329 (cited by Illumina Laboratory Services, Illumina).